The following is an entry in ClinVar:

NM_001105206.3(LAMA4):c.2869G>A (p.Glu957Lys)

Genes: LAMA4 (laminin subunit alpha 4; minus strand), LOC126859766 (MED14-independent group 3 enhancer GRCh37_chr6:112462018-112463217; plus strand). Cytogenetic location: 6q21.
Variant type: single nucleotide variant.
Coding change: c.2869G>A on transcript NM_001105206.3 (MANE Select); coding-DNA position 2869, G replaced by A.
Protein change: p.Glu957Lys; replaces glutamic acid 957 with lysine.
Molecular consequence: missense variant.
Genome position (GRCh38, 1-based): chr6:112,140,867, C>T on the plus strand (G>A on the coding strand, the complement: LAMA4 is on the minus strand). VCF-style: chr6-112140867-C-T. GRCh37 (hg19) VCF-style: chr6-112462069-C-T.
Other names: c.2848G>A, p.Glu950Lys (NM_001105207.3, NM_002290.5); short protein forms E957K, E950K.
Identifiers: ClinVar variation 2447552 (VCV002447552.2), dbSNP rs1562652806, ClinGen allele CA365379902.

ClinVar aggregate classification (germline): Uncertain significance (1 of 4 stars; one submission).

Conditions:
Cardiovascular phenotype. Identifiers: MedGen CN230736.

Allele frequency attached by ClinVar (database versions not stated): gnomAD exomes below 0.00001.
gnomAD v4.1: 4 of 1,613,950 alleles (0.00025%); highest among the groups gnomAD compares: Non-Finnish European, 0.00034%; no homozygotes.

Submission:

Ambry Genetics
Classification: Uncertain significance for Cardiovascular phenotype. Last evaluated: 2022-12-06. Review status: criteria provided, single submitter. Criteria: Ambry Variant Classification Scheme 2023. Collection method: clinical testing. Allele origin: germline.
Comment: The p.E950K variant (also known as c.2848G>A), located in coding exon 21 of the LAMA4 gene, results from a G to A substitution at nucleotide position 2848. The glutamic acid at codon 950 is replaced by lysine, an amino acid with similar properties. This amino acid position is conserved. In addition, this alteration is predicted to be deleterious by in silico analysis. Since supporting evidence is limited at this time, the clinical significance of this alteration remains unclear.